The following is an entry in ClinVar:

NM_017763.6(RNF43):c.462G>T (p.Pro154=)

Gene: RNF43 (ring finger protein 43; minus strand). Cytogenetic location: 17q22.
Variant type: single nucleotide variant.
Coding change: c.462G>T on transcript NM_017763.6 (MANE Select); coding-DNA position 462, G replaced by T.
Protein change: p.Pro154=; no amino-acid change (proline 154 retained).
Molecular consequence: synonymous variant.
Genome position (GRCh38, 1-based): chr17:58,363,395, C>A on the plus strand (G>T on the coding strand, the complement: RNF43 is on the minus strand). VCF-style: chr17-58363395-C-A. GRCh37 (hg19) VCF-style: chr17-56440756-C-A.
Other names: c.462G>T, p.Pro154= (NM_001305544.3, NM_001438820.1, NM_001438821.1 and 1 more transcripts); c.81G>T, p.Pro27= (NM_001305545.2, NM_001437987.1).
Identifiers: ClinVar variation 4875674 (VCV004875674.1).

ClinVar aggregate classification (germline): Benign (1 of 4 stars; one submission).

Conditions:
Sessile serrated polyposis cancer syndrome (SSPCS). Identifiers: Orphanet 157798, MedGen C4310714, MONDO:0014919, OMIM 617108.

Submission:

Myriad Genetics, Inc.
Classification: Benign for Sessile serrated polyposis cancer syndrome. Last evaluated: 2026-06-30. Review status: criteria provided, single submitter. Criteria: Myriad Autosomal Dominant, Autosomal Recessive and X-Linked Classification Criteria (2023). Collection method: clinical testing. Allele origin: unknown.
Comment: This variant is considered benign. This variant is a silent/synonymous amino acid change and it is not expected to impact splicing.